The following is an entry in ClinVar:

ClinVar aggregate classification (germline): Uncertain significance. Review status: criteria provided, multiple submitters, no conflicts (2 of 4 stars). 2 submissions from 2 submitters: Uncertain significance (2). Last evaluated 2025-03-20.

Conditions:
Hereditary cancer-predisposing syndrome. Also called: Hereditary Cancer Syndrome; Hereditary neoplastic syndrome; Tumor predisposition; Neoplastic Syndromes, Hereditary. Identifiers: Orphanet 140162, MedGen C0027672, MeSH D009386, MONDO:0015356.
Cardiovascular phenotype. Identifiers: MedGen CN230736.

gnomAD v4.1: 1 of 1,613,572 alleles (0.000062%); highest among the groups gnomAD compares: East Asian, 0.0022%; no homozygotes.

Submissions (2):

Labcorp Genetics (formerly Invitae), Labcorp
Classification: Uncertain significance. Last evaluated: 2025-03-20. Review status: criteria provided, single submitter. Criteria: Invitae Variant Classification Sherloc (09022015). Collection method: clinical testing. Allele origin: germline.
Comment: This sequence change replaces serine, which is neutral and polar, with phenylalanine, which is neutral and non-polar, at codon 709 of the LZTR1 protein (p.Ser709Phe). This variant is present in population databases (no rsID available, gnomAD 0.06%). This variant has not been reported in the literature in individuals affected with LZTR1-related conditions. ClinVar contains an entry for this variant (Variation ID: 3541714). Invitae Evidence Modeling of protein sequence and biophysical properties (such as structural, functional, and spatial information, amino acid conservation, physicochemical variation, residue mobility, and thermodynamic stability) indicates that this missense variant is not expected to disrupt LZTR1 protein function with a negative predictive value of 80%. In summary, the available evidence is currently insufficient to determine the role of this variant in disease. Therefore, it has been classified as a Variant of Uncertain Significance.

Ambry Genetics
Classification: Uncertain significance for Cardiovascular phenotype; Hereditary cancer-predisposing syndrome. Last evaluated: 2024-11-18. Review status: criteria provided, single submitter. Criteria: Ambry Variant Classification Scheme 2023. Collection method: clinical testing. Allele origin: germline.
Comment: The p.S709F variant (also known as c.2126C>T), located in coding exon 18 of the LZTR1 gene, results from a C to T substitution at nucleotide position 2126. The serine at codon 709 is replaced by phenylalanine, an amino acid with highly dissimilar properties. This amino acid position is conserved. In addition, this alteration is predicted to be deleterious by in silico analysis. Based on the available evidence, the clinical significance of this variant remains unclear.

NM_006767.4(LZTR1):c.2126C>T (p.Ser709Phe)

Gene: LZTR1 (leucine zipper like post translational regulator 1; plus strand). Cytogenetic location: 22q11.21.
Variant type: single nucleotide variant.
Coding change: c.2126C>T on transcript NM_006767.4 (MANE Select); coding-DNA position 2126, C replaced by T.
Protein change: p.Ser709Phe; replaces serine 709 with phenylalanine.
Molecular consequence: missense variant.
Genome position (GRCh38, 1-based): chr22:20,996,019, C>T. VCF-style: chr22-20996019-C-T. GRCh37 (hg19) VCF-style: chr22-21350308-C-T.
Other names: short protein forms S709F.
Identifiers: ClinVar variation 3541714 (VCV003541714.2).